The following is an entry in ClinVar:

NM_000214.3(JAG1):c.837C>T (p.Pro279=)

Gene: JAG1 (jagged canonical Notch ligand 1; minus strand). Cytogenetic location: 20p12.2.
Variant type: single nucleotide variant.
Coding change: c.837C>T on transcript NM_000214.3 (MANE Select); coding-DNA position 837, C replaced by T.
Protein change: p.Pro279=; no amino-acid change (proline 279 retained).
Molecular consequence: synonymous variant.
Genome position (GRCh38, 1-based): chr20:10,652,517, G>A on the plus strand (C>T on the coding strand, the complement: JAG1 is on the minus strand). VCF-style: chr20-10652517-G-A. GRCh37 (hg19) VCF-style: chr20-10633165-G-A.
Identifiers: ClinVar variation 3573380 (VCV003573380.2).

Conditions:
Arteriohepatic dysplasia. Also called: Alagille Syndrome. Identifiers: Orphanet 52, MedGen C0085280, MeSH D016738, MONDO:0007318.

Submission:

Gilbert/Spinner Lab, Children's Hospital of Philadelphia
No classification provided (evidence only). Condition: Alagille syndrome. Review status: no classification provided. Collection method: research. Allele origin: not applicable. Functional consequence: functionally_abnormal.
ClinVar note: "not provided" was previously submitted as the classification for the variant. However, the classification appeared to be based only on an observation of functional data so it was converted to no classification on 2025-07-30.